The following is an entry in ClinVar:

ClinVar aggregate classification (germline): Uncertain significance (1 of 4 stars; one submission).

Submission:

Labcorp Genetics (formerly Invitae), Labcorp
Classification: Uncertain significance. Last evaluated: 2022-06-21. Review status: criteria provided, single submitter. Criteria: Invitae Variant Classification Sherloc (09022015). Collection method: clinical testing. Allele origin: germline.
Comment: Algorithms developed to predict the effect of missense changes on protein structure and function (SIFT, PolyPhen-2, Align-GVGD) all suggest that this variant is likely to be tolerated. This variant has not been reported in the literature in individuals affected with MYO5B-related conditions. This variant is present in population databases (no rsID available, gnomAD 0.0009%). This sequence change replaces leucine, which is neutral and non-polar, with isoleucine, which is neutral and non-polar, at codon 1519 of the MYO5B protein (p.Leu1519Ile). In summary, the available evidence is currently insufficient to determine the role of this variant in disease. Therefore, it has been classified as a Variant of Uncertain Significance.

NM_001080467.3(MYO5B):c.4555C>A (p.Leu1519Ile)

Genes: MYO5B (myosin VB; minus strand), SNHG22 (small nucleolar RNA host gene 22; plus strand). Cytogenetic location: 18q21.1.
Variant type: single nucleotide variant.
Coding change: c.4555C>A on transcript NM_001080467.3 (MANE Select); coding-DNA position 4555, C replaced by A.
Protein change: p.Leu1519Ile; replaces leucine 1519 with isoleucine.
Molecular consequence: missense variant.
Genome position (GRCh38, 1-based): chr18:49,843,297, G>T on the plus strand (C>A on the coding strand, the complement: MYO5B is on the minus strand). VCF-style: chr18-49843297-G-T. GRCh37 (hg19) VCF-style: chr18-47369667-G-T.
Other names: short protein forms L1519I.
Identifiers: ClinVar variation 2008372 (VCV002008372.4), dbSNP rs1240416465, ClinGen allele CA402425332.